The following is an entry in ClinVar:

ClinVar aggregate classification (germline): Uncertain significance (1 of 4 stars; one submission).

Conditions:
Cardiovascular phenotype. Identifiers: MedGen CN230736.

Submission:

Ambry Genetics
Classification: Uncertain significance for Cardiovascular phenotype. Last evaluated: 2021-02-25. Review status: criteria provided, single submitter. Criteria: Ambry Variant Classification Scheme 2023. Collection method: clinical testing. Allele origin: germline.
Comment: The p.I1507V variant (also known as c.4519A>G), located in coding exon 34 of the RYR2 gene, results from an A to G substitution at nucleotide position 4519. The isoleucine at codon 1507 is replaced by valine, an amino acid with highly similar properties. This amino acid position is highly conserved in available vertebrate species. In addition, this alteration is predicted to be tolerated by in silico analysis. Since supporting evidence is limited at this time, the clinical significance of this alteration remains unclear.

NM_001035.3(RYR2):c.4519A>G (p.Ile1507Val)

Gene: RYR2 (ryanodine receptor 2; plus strand). Cytogenetic location: 1q43.
Variant type: single nucleotide variant.
Coding change: c.4519A>G on transcript NM_001035.3 (MANE Select); coding-DNA position 4519, A replaced by G.
Protein change: p.Ile1507Val; replaces isoleucine 1507 with valine.
Molecular consequence: missense variant.
Genome position (GRCh38, 1-based): chr1:237,595,580, A>G. VCF-style: chr1-237595580-A-G. GRCh37 (hg19) VCF-style: chr1-237758880-A-G.
Other names: short protein forms I1507V.
Identifiers: ClinVar variation 1741176 (VCV001741176.2), dbSNP rs2546655329, ClinGen allele CA345400476.
Genomic context (GRCh38, chr1:237,595,580, plus strand): 5'-ATGGTATGTGCGGGTGAGAGCATGAGCCCCGGGCAAGGACGCAACAATAATGGACTGGAG[A>G]TTGGCTGTGTGGTGGATGCTGCCAGCGGGCTGCTCACATTCATTGCCAATGGCAAGGAAC-3'
Protein context (NP_001026.2, residues 1497-1517): GQGRNNNGLE[Ile1507Val]GCVVDAASGL